The following is an entry in ClinVar:

ClinVar aggregate classification (germline): Uncertain significance (1 of 4 stars; one submission).

Conditions:
Familial infantile myasthenia (CMS6). Also called: MYASTHENIC SYNDROME, CONGENITAL, 6, PRESYNAPTIC; Congenital myasthenic syndrome type 6; MYASTHENIC SYNDROME, PRESYNAPTIC, CONGENITAL, ASSOCIATED WITH EPISODIC APNEA. Identifiers: Orphanet 590, MedGen C0393929, MONDO:0009689, OMIM 254210.

Allele frequency attached by ClinVar (database versions not stated): gnomAD 0.00001; gnomAD exomes 0.00001.
gnomAD v4.1: 11 of 1,540,392 alleles (0.00071%); highest among the groups gnomAD compares: South Asian, 0.0024%; no homozygotes.

Submission:

Labcorp Genetics (formerly Invitae), Labcorp
Classification: Uncertain significance for Familial infantile myasthenia. Last evaluated: 2021-09-02. Review status: criteria provided, single submitter. Criteria: Invitae Variant Classification Sherloc (09022015). Collection method: clinical testing. Allele origin: germline.
Comment: This sequence change replaces glycine with arginine at codon 15 of the CHAT protein (p.Gly15Arg). The glycine residue is weakly conserved and there is a moderate physicochemical difference between glycine and arginine. The frequency data for this variant in the population databases is considered unreliable, as metrics indicate insufficient coverage at this position in the ExAC database. This variant has not been reported in the literature in individuals affected with CHAT-related conditions. Advanced modeling of protein sequence and biophysical properties (such as structural, functional, and spatial information, amino acid conservation, physicochemical variation, residue mobility, and thermodynamic stability) performed at Invitae indicates that this missense variant is not expected to disrupt CHAT protein function. In summary, the available evidence is currently insufficient to determine the role of this variant in disease. Therefore, it has been classified as a Variant of Uncertain Significance.

NM_020549.5(CHAT):c.43G>A (p.Gly15Arg)

Gene: CHAT (choline O-acetyltransferase; plus strand). Cytogenetic location: 10q11.23.
Variant type: single nucleotide variant.
Coding change: c.43G>A on transcript NM_020549.5 (MANE Select); coding-DNA position 43, G replaced by A.
Protein change: p.Gly15Arg; replaces glycine 15 with arginine.
Molecular consequence: missense variant. On other transcripts: 5 prime UTR variant (3), intron variant (3).
Genome position (GRCh38, 1-based): chr10:49,614,232, G>A. VCF-style: chr10-49614232-G-A. GRCh37 (hg19) VCF-style: chr10-50822278-G-A.
Other names: c.-312G>A (NM_001142929.2); c.-274G>A (NM_001142933.2); c.-382G>A (NM_001142934.2); c.-68-2270G>A (NM_020984.4); c.-240-72G>A (NM_020985.4); c.-69+1030G>A (NM_020986.4); short protein forms G15R.
Identifiers: ClinVar variation 1501841 (VCV001501841.5), dbSNP rs1838388018, ClinGen allele CA376724614.